The following is an entry in ClinVar:

NM_144687.4(NLRP12):c.1091G>A (p.Gly364Asp)

Gene: NLRP12 (NLR family pyrin domain containing 12; minus strand). Cytogenetic location: 19q13.42.
Variant type: single nucleotide variant.
Coding change: c.1091G>A on transcript NM_144687.4 (MANE Select); coding-DNA position 1091, G replaced by A.
Protein change: p.Gly364Asp; replaces glycine 364 with aspartic acid.
Molecular consequence: missense variant.
Genome position (GRCh38, 1-based): chr19:53,810,568, C>T on the plus strand (G>A on the coding strand, the complement: NLRP12 is on the minus strand). VCF-style: chr19-53810568-C-T. GRCh37 (hg19) VCF-style: chr19-54313822-C-T.
Other names: c.1091G>A (NM_144687.2); c.1091G>A, p.Gly364Asp (NM_001277126.2, NM_001277129.1); short protein forms G364D.
Identifiers: ClinVar variation 1405163 (VCV001405163.7), dbSNP rs376983164, ClinGen allele CA9639526.

ClinVar aggregate classification (germline): Uncertain significance. Review status: criteria provided, multiple submitters, no conflicts (2 of 4 stars). 2 submissions from 2 submitters: Uncertain significance (2). Last evaluated 2024-04-25.

Conditions:
Inborn genetic diseases. Identifiers: MedGen C0950123, MeSH D030342.
Familial cold autoinflammatory syndrome 2 (FCAS2). Identifiers: Orphanet 247868, MedGen C2673198, MONDO:0012724, OMIM 611762.

Allele frequency attached by ClinVar (database versions not stated): gnomAD exomes below 0.00001 and 0.00002; ExAC 0.00003; gnomAD 0.00003 and 0.00004; TOPMed 0.00003; ESP Exome Variant Server 0.00008; 1000 Genomes Project 0.00040; 1000 Genomes Project 30x 0.00047.
gnomAD v4.1: 9 of 1,613,956 alleles (0.00056%); highest among the groups gnomAD compares: African/African-American, 0.012%; no homozygotes.

Submissions (2):

Labcorp Genetics (formerly Invitae), Labcorp
Classification: Uncertain significance for Familial cold autoinflammatory syndrome 2. Last evaluated: 2024-04-25. Review status: criteria provided, single submitter. Criteria: Invitae Variant Classification Sherloc (09022015). Collection method: clinical testing. Allele origin: germline.
Comment: This sequence change replaces glycine, which is neutral and non-polar, with aspartic acid, which is acidic and polar, at codon 364 of the NLRP12 protein (p.Gly364Asp). This variant is present in population databases (rs376983164, gnomAD 0.03%). This variant has not been reported in the literature in individuals affected with NLRP12-related conditions. ClinVar contains an entry for this variant (Variation ID: 1405163). Advanced modeling of protein sequence and biophysical properties (such as structural, functional, and spatial information, amino acid conservation, physicochemical variation, residue mobility, and thermodynamic stability) performed at Invitae indicates that this missense variant is expected to disrupt NLRP12 protein function with a positive predictive value of 80%. In summary, the available evidence is currently insufficient to determine the role of this variant in disease. Therefore, it has been classified as a Variant of Uncertain Significance.

Ambry Genetics
Classification: Uncertain significance for Inborn genetic diseases. Last evaluated: 2024-01-03. Review status: criteria provided, single submitter. Criteria: Ambry Variant Classification Scheme 2023. Collection method: clinical testing. Allele origin: germline.